The following is an entry in ClinVar:

ClinVar aggregate classification (germline): Uncertain significance (1 of 4 stars; one submission).

Conditions:
Ehlers-Danlos syndrome, type 4 (EDSVASC). Also called: Ehlers-Danlos syndrome vascular type; Ehlers Danlos syndrome, ecchymotic type; Ehlers Danlos syndrome, arterial type; Ehlers Danlos syndrome, Sack-Barabas type; Ehlers-Danlos Syndrome Type IV. Identifiers: Orphanet 286, MedGen C0268338, MONDO:0017314, OMIM 130050.

Allele frequency attached by ClinVar (database versions not stated): gnomAD 0.00001; gnomAD exomes 0.00001; TOPMed 0.00002.
gnomAD v4.1: 8 of 1,613,994 alleles (0.0005%); highest among the groups gnomAD compares: African/African-American, 0.0093%; no homozygotes.

Submission:

Labcorp Genetics (formerly Invitae), Labcorp
Classification: Uncertain significance for Ehlers-Danlos syndrome, type 4. Last evaluated: 2023-05-20. Review status: criteria provided, single submitter. Criteria: Invitae Variant Classification Sherloc (09022015). Collection method: clinical testing. Allele origin: germline.
Comment: In summary, the available evidence is currently insufficient to determine the role of this variant in disease. Therefore, it has been classified as a Variant of Uncertain Significance. Advanced modeling of protein sequence and biophysical properties (such as structural, functional, and spatial information, amino acid conservation, physicochemical variation, residue mobility, and thermodynamic stability) performed at Invitae indicates that this missense variant is not expected to disrupt COL3A1 protein function. ClinVar contains an entry for this variant (Variation ID: 999839). This variant has not been reported in the literature in individuals affected with COL3A1-related conditions. This variant is present in population databases (no rsID available, gnomAD 0.007%). This sequence change replaces leucine, which is neutral and non-polar, with phenylalanine, which is neutral and non-polar, at codon 988 of the COL3A1 protein (p.Leu988Phe).

NM_000090.4(COL3A1):c.2962C>T (p.Leu988Phe)

Gene: COL3A1 (collagen type III alpha 1 chain; plus strand). Cytogenetic location: 2q32.2.
Variant type: single nucleotide variant.
Coding change: c.2962C>T on transcript NM_000090.4 (MANE Select); coding-DNA position 2962, C replaced by T.
Protein change: p.Leu988Phe; replaces leucine 988 with phenylalanine.
Molecular consequence: missense variant.
Genome position (GRCh38, 1-based): chr2:189,005,380, C>T. VCF-style: chr2-189005380-C-T. GRCh37 (hg19) VCF-style: chr2-189870106-C-T.
Other names: short protein forms L988F.
Identifiers: ClinVar variation 999839 (VCV000999839.7), dbSNP rs978290107, ClinGen allele CA62558408.
Genomic context (GRCh38, chr2:189,005,380, plus strand): 5'-ACAAAATGTTTTTCATTCCTTTGTATACAGGGTGAAAGTGGGAAACCAGGAGCTAACGGT[C>T]TCAGTGGAGAACGTGGTCCCCCTGGACCCCAGGGTCTTCCTGGTCTGGCTGGTACAGCTG-3'
Protein context (NP_000081.2, residues 978-998): GESGKPGANG[Leu988Phe]SGERGPPGPQ